The following is an entry in ClinVar:

ClinVar aggregate classification (germline): Uncertain significance (1 of 4 stars; one submission).

Conditions:
Dilated cardiomyopathy 1DD (CMD1DD). Identifiers: Orphanet 154, MedGen C2750995, MONDO:0013168, OMIM 613172.

Submission:

Labcorp Genetics (formerly Invitae), Labcorp
Classification: Uncertain significance for Dilated cardiomyopathy 1DD. Last evaluated: 2025-12-30. Review status: criteria provided, single submitter. Criteria: Invitae Variant Classification Sherloc (09022015). Collection method: clinical testing. Allele origin: germline.
Comment: This sequence change replaces proline, which is neutral and non-polar, with glutamine, which is neutral and polar, at codon 1039 of the RBM20 protein (p.Pro1039Gln). This variant is not present in population databases (gnomAD no frequency). This variant has not been reported in the literature in individuals affected with RBM20-related conditions. Invitae Evidence Modeling of protein sequence and biophysical properties (such as structural, functional, and spatial information, amino acid conservation, physicochemical variation, residue mobility, and thermodynamic stability) indicates that this missense variant is not expected to disrupt RBM20 protein function with a negative predictive value of 95%. In summary, the available evidence is currently insufficient to determine the role of this variant in disease. Therefore, it has been classified as a Variant of Uncertain Significance.

NM_001134363.3(RBM20):c.3116C>A (p.Pro1039Gln)

Gene: RBM20 (RNA binding motif protein 20; plus strand). Cytogenetic location: 10q25.2.
Variant type: single nucleotide variant.
Coding change: c.3116C>A on transcript NM_001134363.3 (MANE Select); coding-DNA position 3116, C replaced by A.
Protein change: p.Pro1039Gln; replaces proline 1039 with glutamine.
Molecular consequence: missense variant.
Genome position (GRCh38, 1-based): chr10:110,821,735, C>A. VCF-style: chr10-110821735-C-A. GRCh37 (hg19) VCF-style: chr10-112581493-C-A.
Other names: short protein forms P1039Q.
Identifiers: ClinVar variation 4802662 (VCV004802662.1).
Genomic context (GRCh38, chr10:110,821,735, plus strand): 5'-TGGAGGATTCAGATTGCTACGAGAAGGAGGCAAAGGGAGTGGAGAGCTCAGATGTTCATC[C>A]AGCCCCTACAGTCCAGCAAATGTCTTCCCCTAAGCCAGCAGAGGAGAGGGCCCGGCAGCC-3'
Protein context (NP_001127835.2, residues 1029-1049): AKGVESSDVH[Pro1039Gln]APTVQQMSSP